The following is an entry in ClinVar:

ClinVar aggregate classification (germline): Uncertain significance (1 of 4 stars; one submission).

gnomAD v4.1: 1 of 1,614,054 alleles (0.000062%); highest among the groups gnomAD compares: Non-Finnish European, 0.000085%; no homozygotes.

Submission:

Labcorp Genetics (formerly Invitae), Labcorp
Classification: Uncertain significance. Last evaluated: 2025-12-01. Review status: criteria provided, single submitter. Criteria: Invitae Variant Classification Sherloc (09022015). Collection method: clinical testing. Allele origin: germline.
Comment: This sequence change replaces leucine, which is neutral and non-polar, with proline, which is neutral and non-polar, at codon 1235 of the KDM5B protein (p.Leu1235Pro). This variant is not present in population databases (gnomAD no frequency). This variant has not been reported in the literature in individuals affected with KDM5B-related conditions. Invitae Evidence Modeling of protein sequence and biophysical properties (such as structural, functional, and spatial information, amino acid conservation, physicochemical variation, residue mobility, and thermodynamic stability) indicates that this missense variant is expected to disrupt KDM5B protein function with a positive predictive value of 80%. In summary, the available evidence is currently insufficient to determine the role of this variant in disease. Therefore, it has been classified as a Variant of Uncertain Significance.

NM_006618.5(KDM5B):c.3704T>C (p.Leu1235Pro)

Gene: KDM5B (lysine demethylase 5B; minus strand). Cytogenetic location: 1q32.1.
Variant type: single nucleotide variant.
Coding change: c.3704T>C on transcript NM_006618.5 (MANE Select); coding-DNA position 3704, T replaced by C.
Protein change: p.Leu1235Pro; replaces leucine 1235 with proline.
Molecular consequence: missense variant.
Genome position (GRCh38, 1-based): chr1:202,733,606, A>G on the plus strand (T>C on the coding strand, the complement: KDM5B is on the minus strand). VCF-style: chr1-202733606-A-G. GRCh37 (hg19) VCF-style: chr1-202702734-A-G.
Other names: c.3812T>C, p.Leu1271Pro (NM_001314042.2); c.3569T>C, p.Leu1190Pro (NM_001347591.2); c.3689T>C, p.Leu1230Pro (NM_001399817.1); short protein forms L1190P, L1271P, L1230P, L1235P.
Identifiers: ClinVar variation 4741705 (VCV004741705.1).